The following is an entry in ClinVar:

ClinVar aggregate classification (germline): Conflicting classifications of pathogenicity. Review status: criteria provided, conflicting classifications (1 of 4 stars). 2 submissions from 2 submitters: Pathogenic (1); Uncertain significance (1). Last evaluated 2025-07-21.

Conditions:
Cardiomyopathy (CMYO). Also called: Cardiomyopathies. Identifiers: Orphanet 167848, MedGen C0878544, MONDO:0004994, HP:0001638. Inheritance: Various modes of inheritance.
Arrhythmogenic right ventricular dysplasia 10. Also called: Arrhythmogenic Right Ventricular Dysplasia/Cardiomyopathy10; Arrhythmogenic right ventricular dysplasia/cardiomyopathy, type 10; ARRHYTHMOGENIC RIGHT VENTRICULAR DYSPLASIA, FAMILIAL, 10. Identifiers: MedGen C1857777, MONDO:0012434, OMIM 610193.

Submissions (2):

Labcorp Genetics (formerly Invitae), Labcorp
Classification: Pathogenic for Arrhythmogenic right ventricular dysplasia 10. Last evaluated: 2025-07-21. Review status: criteria provided, single submitter. Criteria: Invitae Variant Classification Sherloc (09022015). Collection method: clinical testing. Allele origin: germline.
Comment: This sequence change affects the initiator codon of the DSG2 mRNA. This change may impact translation initiation or efficiency. The next in-frame methionine is located at codon 179. This variant is not present in population databases (gnomAD no frequency). Disruption of the initiator codon has been observed in individual(s) with arrhythmogenic right ventricular cardiomyopathy (PMID: 17105751). It has also been observed to segregate with disease in related individuals. ClinVar contains an entry for this variant (Variation ID: 1172391). This variant disrupts a region of the DSG2 protein in which other variant(s) (p.Arg49His) have been determined to be pathogenic (PMID: 19151369). This suggests that this is a clinically significant region of the protein, and that variants that disrupt it are likely to be disease-causing. For these reasons, this variant has been classified as Pathogenic.

Color Diagnostics, LLC DBA Color Health
Classification: Uncertain significance for Cardiomyopathy. Last evaluated: 2020-10-07. Review status: criteria provided, single submitter. Criteria: ACMG Guidelines, 2015. Collection method: clinical testing. Allele origin: germline.
Comment: This variant alters the translation initiation codon of the DSG2 mRNA. An alternate in-frame methionine downstream of the initiator methionine occurs at codon 179 in extracellular cadherin domain 2, after signal peptide and propeptide. This variant is expected to disrupt translation initiation and result in an absent or truncated protein product. To our knowledge, functional studies have not been reported for this variant nor has this variant been reported in individuals affected with cardiovascular disorders in the literature. This variant has not been identified in the general population by the Genome Aggregation Database (gnomAD). Different DNA changes (c.3G>A and c.3G>C) with the same protein consequence (p.Met1?) have been reported in a few individuals affected with arrhythmogenic right ventricular cardiomyopathy (PMID: 17105751, 20829228). Although there is a suspicion for a pathogenic role, clinical relevance of loss-of-function DSC2 truncation and splice variants in autosomal dominant arrhythmogenic right ventricular cardiomyopathy is not yet clearly established. The available evidence is insufficient to determine the role of this variant in disease conclusively. Therefore, this variant is classified as a Variant of Uncertain Significance.

Literature cited by the submitters: PubMed 17105751 (cited by Labcorp Genetics (formerly Invitae), Labcorp); PubMed 19151369 (cited by Labcorp Genetics (formerly Invitae), Labcorp).

NM_001943.5(DSG2):c.1A>T (p.Met1Leu)

Genes: DSG2 (desmoglein 2; plus strand), LOC130062340 (ATAC-STARR-seq lymphoblastoid silent region 9384; plus strand). Cytogenetic location: 18q12.1.
Variant type: single nucleotide variant.
Coding change: c.1A>T on transcript NM_001943.5 (MANE Select); coding-DNA position 1, A replaced by T.
Protein change: p.Met1Leu; changes the start codon (methionine 1).
Molecular consequence: missense variant, initiator codon variant.
Genome position (GRCh38, 1-based): chr18:31,498,252, A>T. VCF-style: chr18-31498252-A-T. GRCh37 (hg19) VCF-style: chr18-29078215-A-T.
Other names: short protein forms M1L.
Identifiers: ClinVar variation 1172391 (VCV001172391.4), dbSNP rs2072994017, ClinGen allele CA402127519.
Genomic context (GRCh38, chr18:31,498,252, plus strand): 5'-CGCTCGGGGCAGGCGGCGGCGCGGAGCGGTGCGGCGGCGGGAGGCGGAGGCGAGGGTGCG[A>T]TGGCGCGGAGCCCGGGACGCGCGTACGCCCTGCTGCTTCTCCTGGTAAGTGCCGCAAGCG-3'
Protein context (NP_001934.2, residues 1-11): [Met1Leu]ARSPGRAYAL